The following is an entry in ClinVar:

ClinVar aggregate classification (germline): Uncertain significance (1 of 4 stars; one submission).

Conditions:
Inborn genetic diseases. Identifiers: MedGen C0950123, MeSH D030342.

gnomAD v4.1: 2 of 1,596,116 alleles (0.00013%); highest among the groups gnomAD compares: Non-Finnish European, 0.00017%; no homozygotes.

Submission:

Ambry Genetics
Classification: Uncertain significance for Inborn genetic diseases. Last evaluated: 2021-06-25. Review status: criteria provided, single submitter. Criteria: Ambry Variant Classification Scheme 2023. Collection method: clinical testing. Allele origin: germline.
Comment: The c.4958+6C>G intronic alteration consists of a C to G substitution 6 nucleotides after exon 21 of the CAMTA1 gene. Based on insufficient or conflicting evidence, the clinical significance of this alteration remains unclear.

NM_015215.4(CAMTA1):c.4958+6C>G

Gene: CAMTA1 (calmodulin binding transcription activator 1; plus strand). Cytogenetic location: 1p36.23.
Variant type: single nucleotide variant.
Coding change: c.4958+6C>G on transcript NM_015215.4 (MANE Select); 6 bases into the intron after coding-DNA position 4958, C replaced by G.
Molecular consequence: intron variant.
Genome position (GRCh38, 1-based): chr1:7,752,539, C>G. VCF-style: chr1-7752539-C-G. GRCh37 (hg19) VCF-style: chr1-7812599-C-G.
Other names: c.4640+6C>G (NM_001349609.2); c.4634+6C>G (NM_001349610.2); c.4868+6C>G (NM_001349608.2); c.4550+6C>G (NM_001349612.2); c.2051+6C>G (NM_001349614.1, NM_001349616.2, NM_001349615.2); c.1712+6C>G (NM_001349620.1, NM_001349621.1, NM_001349619.2 and 1 more transcripts); c.1691+6C>G (NM_001349625.2, NM_001349623.1, NM_001349626.2 and 1 more transcripts); c.2030+6C>G (NM_001349617.1, NM_001349618.2); and 1 more.
Identifiers: ClinVar variation 2231346 (VCV002231346.2), dbSNP rs764073129, ClinGen allele CA2580062551.